The following is an entry in ClinVar:

ClinVar aggregate classification (germline): Uncertain significance (1 of 4 stars; one submission).

Conditions:
Deficiency of malonyl-CoA decarboxylase. Also called: Malonic aciduria; MCD deficiency. Identifiers: Orphanet 943, MedGen C0342793, MONDO:0009556, OMIM 248360.

Submission:

Labcorp Genetics (formerly Invitae), Labcorp
Classification: Uncertain significance for Deficiency of malonyl-CoA decarboxylase. Last evaluated: 2021-12-23. Review status: criteria provided, single submitter. Criteria: Invitae Variant Classification Sherloc (09022015). Collection method: clinical testing. Allele origin: germline.
Comment: In summary, the available evidence is currently insufficient to determine the role of this variant in disease. Therefore, it has been classified as a Variant of Uncertain Significance. Algorithms developed to predict the effect of sequence changes on RNA splicing suggest that this variant may create or strengthen a splice site. Algorithms developed to predict the effect of missense changes on protein structure and function are either unavailable or do not agree on the potential impact of this missense change (SIFT: "Deleterious"; PolyPhen-2: "Probably Damaging"; Align-GVGD: "Class C15"). This variant has not been reported in the literature in individuals affected with MLYCD-related conditions. This variant is not present in population databases (gnomAD no frequency). This sequence change replaces histidine, which is basic and polar, with glutamine, which is neutral and polar, at codon 242 of the MLYCD protein (p.His242Gln).

NM_012213.3(MLYCD):c.726C>G (p.His242Gln)

Gene: MLYCD (malonyl-CoA decarboxylase; plus strand). Cytogenetic location: 16q23.3.
Variant type: single nucleotide variant.
Coding change: c.726C>G on transcript NM_012213.3 (MANE Select); coding-DNA position 726, C replaced by G.
Protein change: p.His242Gln; replaces histidine 242 with glutamine.
Molecular consequence: missense variant.
Genome position (GRCh38, 1-based): chr16:83,908,210, C>G. VCF-style: chr16-83908210-C-G. GRCh37 (hg19) VCF-style: chr16-83941815-C-G.
Other names: short protein forms H242Q.
Identifiers: ClinVar variation 2054148 (VCV002054148.4), dbSNP rs2507382210, ClinGen allele CA396918957.